The following is an entry in ClinVar:

NM_000548.5(TSC2):c.5410A>G (p.Thr1804Ala)

Gene: TSC2 (TSC complex subunit 2; plus strand). Cytogenetic location: 16p13.3.
Variant type: single nucleotide variant.
Coding change: c.5410A>G on transcript NM_000548.5 (MANE Select); coding-DNA position 5410, A replaced by G.
Protein change: p.Thr1804Ala; replaces threonine 1804 with alanine.
Molecular consequence: missense variant.
Genome position (GRCh38, 1-based): chr16:2,088,596, A>G. VCF-style: chr16-2088596-A-G. GRCh37 (hg19) VCF-style: chr16-2138597-A-G.
Other names: c.5209A>G, p.Thr1737Ala (NM_001077183.3); c.5341A>G, p.Thr1781Ala (NM_001114382.3); c.5101A>G, p.Thr1701Ala (NM_001318827.2); c.5065A>G, p.Thr1689Ala (NM_001318829.2); c.4678A>G, p.Thr1560Ala (NM_001318831.2); c.5242A>G, p.Thr1748Ala (NM_001318832.2); c.5212A>G, p.Thr1738Ala (NM_001363528.2); c.5278A>G, p.Thr1760Ala (NM_001370404.1); and 27 more; short protein forms T1538A, T1700A, T1718A, T1731A, T1733A, T1748A, T1760A, T1778A.
Identifiers: ClinVar variation 1747378 (VCV001747378.4), dbSNP rs372918437, ClinGen allele CA394316232.

ClinVar aggregate classification (germline): Uncertain significance. Review status: criteria provided, multiple submitters, no conflicts (2 of 4 stars). 2 submissions from 2 submitters: Uncertain significance (2). Last evaluated 2025-01-14.

Conditions:
Tuberous sclerosis 2 (TSC2). Identifiers: Orphanet 805, MedGen C1860707, MONDO:0013199, OMIM 613254.
Hereditary cancer-predisposing syndrome. Also called: Neoplastic Syndromes, Hereditary; Tumor predisposition; Hereditary Cancer Syndrome; Hereditary neoplastic syndrome. Identifiers: Orphanet 140162, MedGen C0027672, MeSH D009386, MONDO:0015356.

Submissions (2):

Labcorp Genetics (formerly Invitae), Labcorp
Classification: Uncertain significance for Tuberous sclerosis 2. Last evaluated: 2025-01-14. Review status: criteria provided, single submitter. Criteria: Invitae Variant Classification Sherloc (09022015). Collection method: clinical testing. Allele origin: germline.
Comment: This sequence change replaces threonine, which is neutral and polar, with alanine, which is neutral and non-polar, at codon 1804 of the TSC2 protein (p.Thr1804Ala). This variant is not present in population databases (gnomAD no frequency). This variant has not been reported in the literature in individuals affected with TSC2-related conditions. ClinVar contains an entry for this variant (Variation ID: 1747378). Invitae Evidence Modeling of protein sequence and biophysical properties (such as structural, functional, and spatial information, amino acid conservation, physicochemical variation, residue mobility, and thermodynamic stability) indicates that this missense variant is not expected to disrupt TSC2 protein function with a negative predictive value of 95%. In summary, the available evidence is currently insufficient to determine the role of this variant in disease. Therefore, it has been classified as a Variant of Uncertain Significance.

Ambry Genetics
Classification: Uncertain significance for Hereditary cancer-predisposing syndrome. Last evaluated: 2021-07-01. Review status: criteria provided, single submitter. Criteria: Ambry Variant Classification Scheme 2023. Collection method: clinical testing. Allele origin: germline.
Comment: The p.T1804A variant (also known as c.5410A>G), located in coding exon 41 of the TSC2 gene, results from an A to G substitution at nucleotide position 5410. The threonine at codon 1804 is replaced by alanine, an amino acid with similar properties. This amino acid position is highly conserved in available vertebrate species. In addition, this alteration is predicted to be deleterious by in silico analysis. Since supporting evidence is limited at this time, the clinical significance of this alteration remains unclear.